The following is an entry in ClinVar:

NM_152743.4(BRAT1):c.1A>G (p.Met1Val)

Gene: BRAT1 (BRCA1 associated ATM activator 1; minus strand). Cytogenetic location: 7p22.3.
Variant type: single nucleotide variant.
Coding change: c.1A>G on transcript NM_152743.4 (MANE Select); coding-DNA position 1, A replaced by G.
Protein change: p.Met1Val; changes the start codon (methionine 1).
Molecular consequence: missense variant, initiator codon variant. On other transcripts: 5 prime UTR variant (1), non-coding transcript variant (1).
Genome position (GRCh38, 1-based): chr7:2,554,431, T>C on the plus strand (A>G on the coding strand, the complement: BRAT1 is on the minus strand). VCF-style: chr7-2554431-T-C. GRCh37 (hg19) VCF-style: chr7-2594065-T-C.
Other names: c.1A>G, p.Met1Val (NM_001350626.2); c.-377A>G (NM_001350627.2); short protein forms M1V.
Identifiers: ClinVar variation 2777529 (VCV002777529.3), dbSNP rs775115309, ClinGen allele CA4128342.

ClinVar aggregate classification (germline): Pathogenic (1 of 4 stars; one submission).

Conditions:
Neonatal-onset encephalopathy with rigidity and seizures. Also called: Lethal neonatal spasticity-epileptic encephalopathy syndrome. Identifiers: Orphanet 435845, MedGen C3281029, MONDO:0013784, OMIM 614498.

Allele frequency attached by ClinVar (database versions not stated): TOPMed below 0.00001; ExAC 0.00001.

Submission:

Labcorp Genetics (formerly Invitae), Labcorp
Classification: Pathogenic for Neonatal-onset encephalopathy with rigidity and seizures. Last evaluated: 2023-12-11. Review status: criteria provided, single submitter. Criteria: Invitae Variant Classification Sherloc (09022015). Collection method: clinical testing. Allele origin: germline.
Comment: This sequence change affects the initiator methionine of the BRAT1 mRNA. The next in-frame methionine is located at codon 176. This variant is present in population databases (rs775115309, gnomAD 0.003%). This variant has not been reported in the literature in individuals affected with BRAT1-related conditions. This variant disrupts a region of the BRAT1 protein in which other variant(s) (p.Leu140Pro) have been determined to be pathogenic (PMID: 27282546). This suggests that this is a clinically significant region of the protein, and that variants that disrupt it are likely to be disease-causing. For these reasons, this variant has been classified as Pathogenic.

Literature cited by the submitters: PubMed 27282546.